The following is an entry in ClinVar:

ClinVar aggregate classification (germline): Likely pathogenic (1 of 4 stars; one submission).

Conditions:
Congenital anomalies of kidney and urinary tract syndrome with or without hearing loss, abnormal ears, or developmental delay. Also called: Congenital Anomalies of the Kidney and Urinary Tract syndrome with or without Hearing Loss, Abnormal Ears, or Developmental Delay. Identifiers: Orphanet 656130, MedGen C4539968, MONDO:0060549, OMIM 617641.

Submission:

Broad Center for Mendelian Genomics, Broad Institute of MIT and Harvard
Classification: Likely pathogenic for Congenital anomalies of kidney and urinary tract syndrome with or without hearing loss, abnormal ears, or developmental delay. Last evaluated: 2023-05-02. Review status: criteria provided, single submitter. Criteria: ACMG Guidelines, 2015. Collection method: curation. Allele origin: germline. Inheritance: Autosomal dominant inheritance.
Comment: The c.701+2G>T variant in PBX1 has not been previously reported in individuals with congenital anomalies of the kidney and urinary tract syndrome with or without hearing loss, abnormal ear, or developmental delay. This variant was absent from large population studies. This variant is located in the 5' splice region. Computational tools predict a splicing impact, though this information is not predictive enough to determine pathogenicity. Loss of function of the PBX1 gene is an established disease mechanism in kidney and urinary tract syndrome with or without hearing loss, abnormal ear, or developmental delay. In summary, although additional studies are required to fully establish its clinical significance, this variant is likely pathogenic for kidney and urinary tract syndrome with or without hearing loss, abnormal ear, or developmental delay. ACMG/AMP Criteria applied: PVS1, PM2_Supporting (Richards 2015).

NM_002585.4(PBX1):c.701+2T>G

Gene: PBX1 (PBX homeobox 1; plus strand). Cytogenetic location: 1q23.3.
Variant type: single nucleotide variant.
Coding change: c.701+2T>G on transcript NM_002585.4 (MANE Select); the canonical splice donor site of the intron after coding-DNA position 701, T replaced by G.
Molecular consequence: splice donor variant.
Genome position (GRCh38, 1-based): chr1:164,799,891, T>G. VCF-style: chr1-164799891-T-G. GRCh37 (hg19) VCF-style: chr1-164769128-T-G.
Other names: NM_001353131.2:c.701+2T>G; c.701+2T>G (NM_001353131.2, NM_001204961.2, NM_001204963.2); c.452+2T>G (NM_001353130.1).
Identifiers: ClinVar variation 2500961 (VCV002500961.1), dbSNP rs2526810620, ClinGen allele CA343471126.